The following is an entry in ClinVar:

NC_000008.10:g.(43024386_43025727)_(43027530_43028855)del

Gene: HGSNAT (heparan-alpha-glucosaminide N-acetyltransferase; plus strand). Cytogenetic location: 8p11.21.
Variant type: Deletion.
Identifiers: ClinVar variation 2429311 (VCV002429311.3).

ClinVar aggregate classification (germline): Likely pathogenic (1 of 4 stars; one submission).

Conditions:
Sanfilippo syndrome. Also called: Mucopolysaccharidosis Type III; Mucopolysaccharidosis type 3; Sanfilippo disease. Identifiers: Orphanet 581, MedGen C0026706, MONDO:0018937.

Submission:

Women's Health and Genetics/Laboratory Corporation of America, LabCorp
Classification: Likely pathogenic for Sanfilippo syndrome. Last evaluated: 2023-01-25. Review status: criteria provided, single submitter. Criteria: LabCorp Variant Classification Summary - May 2015. Collection method: clinical testing. Allele origin: germline.
Comment: Variant summary: The variant identified by MLPA or other technology involves the deletion of exons 7-8 in the HGSNAT gene. A presumed nomenclature of c.(633+1_634-1)_(820+1_821-1)del has been designated for the purposes of this classification. Although exact breakpoints of this deletion are not known, it is expected to result in a frameshift in the HGSNAT gene, a known mechanism of disease. The variant was absent in 21680 control chromosomes (gnomAD, Structural Variants dataset). To our knowledge, no occurrence of c.(633+1_634-1)_(820+1_821-1)del in individuals affected with HGSNAT-Related Disorders and no experimental evidence demonstrating its impact on protein function have been reported. A different variant involving deletion of exons 7-8 (c.634-408_820+338delinsAGAATATG, p.Glu212GlyfsX2) has been reported in the literature in one individual affected with retinitis pigmentosa (PMID: 27608171). No clinical diagnostic laboratories have submitted clinical-significance assessments for this variant to ClinVar after 2014. Based on the evidence outlined above, the variant was classified as likely pathogenic.